The following is an entry in ClinVar:

ClinVar aggregate classification (germline): Uncertain significance. Review status: criteria provided, multiple submitters, no conflicts (2 of 4 stars). 2 submissions from 2 submitters: Uncertain significance (2). Last evaluated 2026-09-25.

Conditions:
GATM-related disorder. Also called: GATM-related condition.
Arginine:glycine amidinotransferase deficiency (CCDS3). Also called: L-Arginine:Glycine Amidinotransferase Deficiency; AGAT deficiency; L-Arginine:Glycine Amidinotransferase (AGAT) Deficiency; Creatine deficiency syndrome due to AGAT deficiency; GATM deficiency; Cerebral creatine deficiency syndrome 3. Identifiers: Orphanet 35704, MedGen C2675179, MONDO:0012996, OMIM 612718.

gnomAD v4.1: 6 of 1,613,878 alleles (0.00037%); highest among the groups gnomAD compares: South Asian, 0.0011%; no homozygotes.

Submissions (2):

PreventionGenetics, part of Exact Sciences
Classification: Uncertain significance for GATM-related condition. Last evaluated: 2026-09-25. Review status: criteria provided, single submitter. Criteria: ACMG Guidelines, 2015. Collection method: clinical testing. Allele origin: germline.
Comment: The GATM c.674A>G variant is predicted to result in the amino acid substitution p.Gln225Arg. To our knowledge, this variant has not been reported in the literature. This variant is reported in 0.0065% of alleles in individuals of European (Non-Finnish) descent in gnomAD. At this time, the clinical significance of this variant is uncertain due to the absence of conclusive functional and genetic evidence.

Labcorp Genetics (formerly Invitae), Labcorp
Classification: Uncertain significance for Arginine:glycine amidinotransferase deficiency. Last evaluated: 2025-07-31. Review status: criteria provided, single submitter. Criteria: Invitae Variant Classification Sherloc (09022015). Collection method: clinical testing. Allele origin: germline.
Comment: This sequence change replaces glutamine, which is neutral and polar, with arginine, which is basic and polar, at codon 225 of the GATM protein (p.Gln225Arg). This variant is present in population databases (no rsID available, gnomAD 0.007%). This variant has not been reported in the literature in individuals affected with GATM-related conditions. Invitae Evidence Modeling of protein sequence and biophysical properties (such as structural, functional, and spatial information, amino acid conservation, physicochemical variation, residue mobility, and thermodynamic stability) indicates that this missense variant is not expected to disrupt GATM protein function with a negative predictive value of 95%. In summary, the available evidence is currently insufficient to determine the role of this variant in disease. Therefore, it has been classified as a Variant of Uncertain Significance.

NM_001482.3(GATM):c.674A>G (p.Gln225Arg)

Gene: GATM (glycine amidinotransferase; minus strand). Cytogenetic location: 15q21.1.
Variant type: single nucleotide variant.
Coding change: c.674A>G on transcript NM_001482.3 (MANE Select); coding-DNA position 674, A replaced by G.
Protein change: p.Gln225Arg; replaces glutamine 225 with arginine.
Molecular consequence: missense variant.
Genome position (GRCh38, 1-based): chr15:45,368,071, T>C on the plus strand (A>G on the coding strand, the complement: GATM is on the minus strand). VCF-style: chr15-45368071-T-C. GRCh37 (hg19) VCF-style: chr15-45660269-T-C.
Other names: c.674A>G (NM_001482.2); c.287A>G, p.Gln96Arg (NM_001321015.2); short protein forms Q225R, Q96R.
Identifiers: ClinVar variation 4774961 (VCV004774961.2).